The following is an entry in ClinVar:

ClinVar aggregate classification (germline): Uncertain significance (1 of 4 stars; one submission).

gnomAD v4.1: 10 of 1,601,970 alleles (0.00062%); highest among the groups gnomAD compares: Non-Finnish European, 0.00086%; no homozygotes.

Submission:

Labcorp Genetics (formerly Invitae), Labcorp
Classification: Uncertain significance. Last evaluated: 2024-09-10. Review status: criteria provided, single submitter. Criteria: Invitae Variant Classification Sherloc (09022015). Collection method: clinical testing. Allele origin: germline.
Comment: This sequence change replaces histidine, which is basic and polar, with glutamine, which is neutral and polar, at codon 170 of the PEX3 protein (p.His170Gln). This variant is not present in population databases (gnomAD no frequency). This variant has not been reported in the literature in individuals affected with PEX3-related conditions. ClinVar contains an entry for this variant (Variation ID: 969113). Invitae Evidence Modeling of protein sequence and biophysical properties (such as structural, functional, and spatial information, amino acid conservation, physicochemical variation, residue mobility, and thermodynamic stability) indicates that this missense variant is not expected to disrupt PEX3 protein function with a negative predictive value of 80%. In summary, the available evidence is currently insufficient to determine the role of this variant in disease. Therefore, it has been classified as a Variant of Uncertain Significance.

NM_003630.3(PEX3):c.510C>A (p.His170Gln)

Gene: PEX3 (peroxisomal biogenesis factor 3; plus strand). Cytogenetic location: 6q24.2.
Variant type: single nucleotide variant.
Coding change: c.510C>A on transcript NM_003630.3 (MANE Select); coding-DNA position 510, C replaced by A.
Protein change: p.His170Gln; replaces histidine 170 with glutamine.
Molecular consequence: missense variant.
Genome position (GRCh38, 1-based): chr6:143,471,436, C>A. VCF-style: chr6-143471436-C-A. GRCh37 (hg19) VCF-style: chr6-143792573-C-A.
Other names: short protein forms H170Q.
Identifiers: ClinVar variation 969113 (VCV000969113.9), dbSNP rs866136282, ClinGen allele CA149064732.
Genomic context (GRCh38, chr6:143,471,436, plus strand): 5'-TATACAGACAATTCTTGCTCCCCCAGATGTCCAACAGCAGTATTTATCAAGTATTCAGCA[C>A]CTACTTGGAGATGGTAAGATTCTTATTTGTGACTTTTATACTAATTTTAATTCATTTATT-3'
Protein context (NP_003621.1, residues 160-180): VQQQYLSSIQ[His170Gln]LLGDGLTELI